The following is an entry in ClinVar:

NM_001754.5(RUNX1):c.893C>T (p.Pro298Leu)

Gene: RUNX1 (RUNX family transcription factor 1; minus strand). Cytogenetic location: 21q22.12.
Variant type: single nucleotide variant.
Coding change: c.893C>T on transcript NM_001754.5 (MANE Select); coding-DNA position 893, C replaced by T.
Protein change: p.Pro298Leu; replaces proline 298 with leucine.
Molecular consequence: missense variant.
Genome position (GRCh38, 1-based): chr21:34,799,375, G>A on the plus strand (C>T on the coding strand, the complement: RUNX1 is on the minus strand). VCF-style: chr21-34799375-G-A. GRCh37 (hg19) VCF-style: chr21-36171672-G-A.
Other names: NM_001754.5(RUNX1):c.893C>T; p.Pro298Leu; c.812C>T, p.Pro271Leu (NM_001001890.3); short protein forms P271L, P298L.
Identifiers: ClinVar variation 1972477 (VCV001972477.6), dbSNP rs2145908570, ClinGen allele CA410149706.

ClinVar aggregate classification (germline): Uncertain significance. Review status: reviewed by expert panel (3 of 4 stars). 2 submissions from 2 submitters: Uncertain significance (1). 1 of the submissions does not count toward it. Last evaluated 2024-08-01.

Conditions:
Hereditary thrombocytopenia and hematologic cancer predisposition syndrome. Identifiers: Orphanet 71290, MedGen CN281654, MONDO:0011071.
Hereditary thrombocytopenia and hematological cancer predisposition syndrome associated with RUNX1. Also called: RUNX1 Familial Platelet Disorder with Associated Myeloid Malignancies; Familial Platelet Disorder with Propensity to Acute Myelogenous Leukemia; Familial thrombocytopenia with propensity to acute myelogenous leukemia; PLATELET DISORDER, ASPIRIN-LIKE. Identifiers: Orphanet 71290, MedGen C1832388, MeSH C563324, MONDO:0100083, OMIM 601399.

Submissions (2):

ClinGen Myeloid Malignancy Variant Curation Expert Panel
Classification: Uncertain significance for Hereditary thrombocytopenia and hematologic cancer predisposition syndrome. Last evaluated: 2024-08-01. Review status: reviewed by expert panel. Criteria: ClinGen MyeloMalig ACMG Specifications v2. Collection method: curation. Allele origin: germline. Inheritance: Autosomal dominant inheritance.
Comment: NM_001754.5(RUNX1):c.893C>T (p.Pro298Leu) is a missense variant which is completely absent from all population databases with at least 20x coverage for RUNX1 in gnomAD v2.1.1 and v3.1.2 (PM2_supporting). This missense variant has a REVEL score < 0.50 (0.163) and a SpliceAI score ≤ 0.20 (0.01) (BP4). In summary, the clinical significance of this variant is uncertain. ACMG/AMP criteria applied, as specified by the Myeloid Malignancy Variant Curation Expert Panel for RUNX1: BP4, PM2_supporting.

Labcorp Genetics (formerly Invitae), Labcorp
Classification: Uncertain significance for Hereditary thrombocytopenia and hematological cancer predisposition syndrome associated with RUNX1. Last evaluated: 2023-06-24. Review status: criteria provided, single submitter. Criteria: Invitae Variant Classification Sherloc (09022015). Collection method: clinical testing. Allele origin: germline. Not counted in ClinVar's aggregate classification.
Comment: In summary, the available evidence is currently insufficient to determine the role of this variant in disease. Therefore, it has been classified as a Variant of Uncertain Significance. Advanced modeling of protein sequence and biophysical properties (such as structural, functional, and spatial information, amino acid conservation, physicochemical variation, residue mobility, and thermodynamic stability) performed at Invitae indicates that this missense variant is not expected to disrupt RUNX1 protein function. ClinVar contains an entry for this variant (Variation ID: 1972477). This variant has not been reported in the literature in individuals affected with RUNX1-related conditions. This variant is not present in population databases (gnomAD no frequency). This sequence change replaces proline, which is neutral and non-polar, with leucine, which is neutral and non-polar, at codon 298 of the RUNX1 protein (p.Pro298Leu).